The following is an entry in ClinVar:

ClinVar aggregate classification (germline): Uncertain significance (1 of 4 stars; one submission).

Conditions:
Neurodevelopmental disorder with microcephaly and movement abnormalities (NEDMIM). Identifiers: MedGen C5830624, MONDO:0957531, OMIM 620445.

gnomAD v4.1: 15 of 1,614,024 alleles (0.00093%); highest among the groups gnomAD compares: Admixed American, 0.01%; no homozygotes.

Submission:

3billion
Classification: Uncertain significance for Neurodevelopmental disorder with microcephaly and movement abnormalities. Last evaluated: 2025-08-04. Review status: criteria provided, single submitter. Criteria: ACMG Guidelines, 2015. Collection method: clinical testing. Allele origin: germline. Affected: yes.
Comment: The variant is observed at an extremely low frequency in the gnomAD v4.1.0 dataset (total allele frequency: <0.001%). Predicted Consequence/Location: Missense variant. Missense changes are a common disease-causing mechanism. In silico tool predictions suggest damaging effect of the variant on gene or gene product [REVEL: 0.61 (>=0.6, sensitivity 0.68 and specificity 0.92); 3Cnet: 0.79 (> 0.75, sensitivity 0.96 and precision 0.92)]. Different missense changes at the same codon have been reported as of uncertain significance (ClinVar ID: VCV003368701). Therefore, this variant is classified as VUS according to the recommendation of ACMG/AMP guideline.

NM_001303457.2(TTI1):c.1555C>T (p.Arg519Trp)

Gene: TTI1 (TELO2 interacting protein 1; minus strand). Cytogenetic location: 20q11.23.
Variant type: single nucleotide variant.
Coding change: c.1555C>T on transcript NM_001303457.2 (MANE Select); coding-DNA position 1555, C replaced by T.
Protein change: p.Arg519Trp; replaces arginine 519 with tryptophan.
Molecular consequence: missense variant.
Genome position (GRCh38, 1-based): chr20:38,012,262, G>A on the plus strand (C>T on the coding strand, the complement: TTI1 is on the minus strand). VCF-style: chr20-38012262-G-A. GRCh37 (hg19) VCF-style: chr20-36640664-G-A.
Other names: c.1555C>T, p.Arg519Trp (NM_014657.3); short protein forms R519W.
Identifiers: ClinVar variation 4855848 (VCV004855848.1).
Genomic context (GRCh38, chr20:38,012,262, plus strand): 5'-CAACCTCCAGCCCAGCAGCCCCTGTAACCAGTTCATTAAGGATCATGGCAGCTTGCTTCC[G>A]GTAAACCACAGATTGATGGTAAAGTTCCATAAAGTGATCCACAAGCAAATAAAGATTCCC-3'
Protein context (NP_001290386.1, residues 509-529): MELYHQSVVY[Arg519Trp]KQAAMILNEL